The following is an entry in ClinVar:

ClinVar aggregate classification (germline): Pathogenic (1 of 4 stars; one submission).

Submission:

Labcorp Genetics (formerly Invitae), Labcorp
Classification: Pathogenic. Last evaluated: 2023-01-12. Review status: criteria provided, single submitter. Criteria: Invitae Variant Classification Sherloc (09022015). Collection method: clinical testing. Allele origin: germline.
Comment: This sequence change creates a premature translational stop signal (p.Met51Cysfs*7) in the IMPG1 gene. It is expected to result in an absent or disrupted protein product. Loss-of-function variants in IMPG1 are known to be pathogenic (PMID: 23993198). This variant is not present in population databases (gnomAD no frequency). This variant has not been reported in the literature in individuals affected with IMPG1-related conditions. For these reasons, this variant has been classified as Pathogenic.

Literature cited by the submitters: PubMed 23993198.

NM_001563.4(IMPG1):c.151del (p.Met51fs)

Gene: IMPG1 (interphotoreceptor matrix proteoglycan 1; minus strand). Cytogenetic location: 6q14.1.
Variant type: Deletion.
Coding change: c.151del on transcript NM_001563.4 (MANE Select); coding-DNA position 151, one base deleted (A; older notation c.151delA).
Protein change: p.Met51fs; shifts the reading frame from methionine 51.
Molecular consequence: frameshift variant. On other transcripts: intron variant (1).
Genome position (GRCh38, 1-based): chr6:76,042,043, T deleted on the plus strand (A on the coding strand, the reverse complement: IMPG1 is on the minus strand); the first of 6 consecutive T bases (chr6:76,042,043-76,042,048); deleting any one gives the same sequence. VCF-style (leftmost placement, unchanged base first): chr6-76042042-AT-A. GRCh37 (hg19) VCF-style: chr6-76751759-AT-A.
Other names: c.68-7256del (NM_001282368.2); short protein forms M51fs.
Identifiers: ClinVar variation 2827933 (VCV002827933.3), dbSNP rs761247695, ClinGen allele CA451116053.